The following is an entry in ClinVar:

NM_000179.3(MSH6):c.2649G>C (p.Lys883Asn)

Gene: MSH6 (mutS homolog 6; plus strand). Cytogenetic location: 2p16.3.
Variant type: single nucleotide variant.
Coding change: c.2649G>C on transcript NM_000179.3 (MANE Select); coding-DNA position 2649, G replaced by C.
Protein change: p.Lys883Asn; replaces lysine 883 with asparagine.
Molecular consequence: missense variant. On other transcripts: non-coding transcript variant (5), intron variant (3).
Genome position (GRCh38, 1-based): chr2:47,800,632, G>C. VCF-style: chr2-47800632-G-C. GRCh37 (hg19) VCF-style: chr2-48027771-G-C.
Other names: c.2745G>C, p.Lys915Asn (NM_001406802.1, NM_001406795.1); c.2571G>C, p.Lys857Asn (NM_001406804.1); c.2352G>C, p.Lys784Asn (NM_001406805.1, NM_001406827.1, NM_001406828.1 and 10 more transcripts); c.2124G>C, p.Lys708Asn (NM_001406806.1, NM_001406807.1, NM_001406799.1); c.2649G>C, p.Lys883Asn (NM_001406808.1, NM_001406809.1, NM_001406796.1 and 2 more transcripts); c.1743G>C, p.Lys581Asn (NM_001406811.1, NM_001406812.1, NM_001406829.1 and 6 more transcripts); c.2655G>C, p.Lys885Asn (NM_001406813.1); c.2308+341G>C (NM_001406803.1); and 4 more; short protein forms K915N, K581N, K708N, K784N, K827N, K883N, K885N, K753N.
Identifiers: ClinVar variation 5024898 (VCV005024898.1).

ClinVar aggregate classification (germline): Uncertain significance (1 of 4 stars; one submission).

Conditions:
Hereditary cancer-predisposing syndrome. Also called: Neoplastic Syndromes, Hereditary; Tumor predisposition; Hereditary neoplastic syndrome; Hereditary Cancer Syndrome. Identifiers: Orphanet 140162, MedGen C0027672, MeSH D009386, MONDO:0015356.

Submission:

Ambry Genetics
Classification: Uncertain significance for Hereditary cancer-predisposing syndrome. Last evaluated: 2026-07-06. Review status: criteria provided, single submitter. Criteria: Ambry Variant Classification Scheme 2023. Collection method: clinical testing. Allele origin: germline.
Comment: The p.K883N variant (also known as c.2649G>C), located in coding exon 4 of the MSH6 gene, results from a G to C substitution at nucleotide position 2649. The lysine at codon 883 is replaced by asparagine, an amino acid with similar properties. This amino acid position is conserved. In addition, this alteration is predicted to be tolerated by in silico analysis. Based on the available evidence, the clinical significance of this variant remains unclear.